The following is an entry in ClinVar:

NM_001377.3(DYNC2H1):c.5442C>T (p.Pro1814=)

Gene: DYNC2H1 (dynein cytoplasmic 2 heavy chain 1; plus strand). Cytogenetic location: 11q22.3.
Variant type: single nucleotide variant.
Coding change: c.5442C>T on transcript NM_001377.3 (MANE Select); coding-DNA position 5442, C replaced by T.
Protein change: p.Pro1814=; no amino-acid change (proline 1814 retained).
Molecular consequence: synonymous variant.
Genome position (GRCh38, 1-based): chr11:103,173,189, C>T. VCF-style: chr11-103173189-C-T. GRCh37 (hg19) VCF-style: chr11-103043918-C-T.
Other names: p.Pro1814=; c.5442C>T, p.Pro1814= (NM_001080463.2).
Identifiers: ClinVar variation 220052 (VCV000220052.21), dbSNP rs76833922, ClinGen allele CA350017.

ClinVar aggregate classification (germline): Benign/Likely benign. Review status: criteria provided, multiple submitters, no conflicts (2 of 4 stars). 6 submissions from 6 submitters: Benign (4); Likely benign (2). Last evaluated 2026-02-04.

Conditions:
Jeune thoracic dystrophy. Also called: Jeune syndrome; Infantile thoracic dystrophy; Thoracic pelvic phalangeal dystrophy; Jeune's syndrome; Chondroectodermal dysplasia-like syndrome; Short-rib thoracic dysplasia. Identifiers: Orphanet 474, MedGen C0265275, MONDO:0018770.
Asphyxiating thoracic dystrophy 3. Also called: SHORT-RIB THORACIC DYSPLASIA 3 WITH OR WITHOUT POLYDACTYLY; POLYDACTYLY WITH NEONATAL CHONDRODYSTROPHY, TYPE I; SHORT-RIB THORACIC DYSPLASIA 3/6 WITH POLYDACTYLY, DIGENIC; Short rib polydactyly syndrome 2B; Saldino-Noonan Syndrome. Identifiers: Orphanet 474, Orphanet 93269, Orphanet 93270, Orphanet 93271, MedGen C0036069, MONDO:0013127, OMIM 613091.

Allele frequency attached by ClinVar (database versions not stated): 1000 Genomes Project 0.00419; gnomAD 0.00441 and 0.00476; 1000 Genomes Project 30x 0.00468; TOPMed 0.00527; ESP Exome Variant Server 0.00543.
gnomAD v4.1: 1,283 of 1,599,590 alleles (0.08%); highest among the groups gnomAD compares: African/African-American, 1.5%; 8 homozygotes.

Submissions (6):

Labcorp Genetics (formerly Invitae), Labcorp
Classification: Benign for Jeune thoracic dystrophy. Last evaluated: 2026-02-04. Review status: criteria provided, single submitter. Criteria: Invitae Variant Classification Sherloc (09022015). Collection method: clinical testing. Allele origin: germline.

Mayo Clinic Laboratories, Mayo Clinic
Classification: Likely benign. Last evaluated: 2025-04-21. Review status: criteria provided, single submitter. Criteria: ACMG Guidelines, 2015. Collection method: clinical testing. Allele origin: germline. Observed: 1 variant allele.
Comment: BS1, BP4, BP7

Blueprint Genetics
Classification: Likely benign. Last evaluated: 2024-11-25. Review status: criteria provided, single submitter. Criteria: ACMG Guidelines, 2015. Collection method: clinical testing. Allele origin: germline.

ARUP Laboratories, Molecular Genetics and Genomics, ARUP Laboratories
Classification: Benign for Asphyxiating thoracic dystrophy 3. Last evaluated: 2020-04-24. Review status: criteria provided, single submitter. Criteria: ARUP Molecular Germline Variant Investigation Process. Collection method: clinical testing. Allele origin: germline.

GeneDx
Classification: Benign. Last evaluated: 2017-03-29. Review status: criteria provided, single submitter. Criteria: GeneDx Variant Classification (06012015). Collection method: clinical testing. Allele origin: germline. Affected: yes.
Comment: This variant is considered likely benign or benign based on one or more of the following criteria: it is a conservative change, it occurs at a poorly conserved position in the protein, it is predicted to be benign by multiple in silico algorithms, and/or has population frequency not consistent with disease.

Breakthrough Genomics
Classification: Benign. Review status: criteria provided, single submitter. Criteria: ACMG Guidelines, 2015. Collection method: not provided. Allele origin: germline. Inheritance: Autosomal recessive inheritance. Affected: yes.